The following is an entry in ClinVar:

NM_152383.5(DIS3L2):c.*77G>T

Gene: DIS3L2 (DIS3 like 3'-5' exoribonuclease 2; plus strand). Cytogenetic location: 2q37.1.
Variant type: single nucleotide variant.
Coding change: c.*77G>T on transcript NM_152383.5 (MANE Select); 77 bases downstream of the stop codon, G replaced by T.
Molecular consequence: 3 prime UTR variant. On other transcripts: non-coding transcript variant (2), intron variant (1).
Genome position (GRCh38, 1-based): chr2:232,336,707, G>T. VCF-style: chr2-232336707-G-T. GRCh37 (hg19) VCF-style: chr2-233201417-G-T.
Other names: c.1582-6638G>T (NM_001257281.2).
Identifiers: ClinVar variation 897052 (VCV000897052.6), dbSNP rs77517611, ClinGen allele CA2164679.

ClinVar aggregate classification (germline): Benign/Likely benign. Review status: criteria provided, multiple submitters, no conflicts (2 of 4 stars). 2 submissions from 2 submitters: Benign (1); Likely benign (1). Last evaluated 2019-05-06.

Conditions:
Perlman syndrome (PRLMNS). Identifiers: Orphanet 2849, MedGen C0796113, MONDO:0009965, OMIM 267000.

Allele frequency attached by ClinVar (database versions not stated): gnomAD exomes 0.00113; ExAC 0.00223; TOPMed 0.00519; 1000 Genomes Project 0.00559; 1000 Genomes Project 30x 0.00562.
gnomAD v4.1: 1,312 of 1,520,412 alleles (0.086%); highest among the groups gnomAD compares: African/African-American, 1.7%; 14 homozygotes.

Submissions (2):

GeneDx
Classification: Likely benign. Last evaluated: 2019-05-06. Review status: criteria provided, single submitter. Criteria: GeneDx Variant Classification Process June 2021. Collection method: clinical testing. Allele origin: germline. Affected: yes.

Illumina Laboratory Services, Illumina
Classification: Benign for Perlman syndrome. Last evaluated: 2018-01-13. Review status: criteria provided, single submitter. Criteria: ICSL Variant Classification Criteria 13 December 2019. Collection method: clinical testing. Allele origin: germline.
Comment: This variant was observed in the ICSL laboratory as part of a predisposition screen in an ostensibly healthy population. It had not been previously curated by ICSL or reported in the Human Gene Mutation Database (HGMD: prior to June 1st, 2018), and was therefore a candidate for classification through an automated scoring system. Utilizing variant allele frequency, disease prevalence and penetrance estimates, and inheritance mode, an automated score was calculated to assess if this variant is too frequent to cause the disease. Based on the score and internal cut-off values, a variant classified as benign is not then subjected to further curation. The score for this variant resulted in a classification of benign for this disease.